The following is an entry in ClinVar:

ClinVar aggregate classification (germline): Uncertain significance (1 of 4 stars; one submission).

Allele frequency attached by ClinVar (database versions not stated): gnomAD exomes below 0.00001; ExAC 0.00001.
gnomAD v4.1: 3 of 1,609,634 alleles (0.00019%); highest among the groups gnomAD compares: East Asian, 0.0045%; no homozygotes.

Submission:

Labcorp Genetics (formerly Invitae), Labcorp
Classification: Uncertain significance. Last evaluated: 2021-09-17. Review status: criteria provided, single submitter. Criteria: Invitae Variant Classification Sherloc (09022015). Collection method: clinical testing. Allele origin: germline.
Comment: Algorithms developed to predict the effect of missense changes on protein structure and function (SIFT, PolyPhen-2, Align-GVGD) all suggest that this variant is likely to be tolerated. This variant has not been reported in the literature in individuals affected with RNF168-related conditions. This variant is present in population databases (rs762109037, ExAC 0.01%). This sequence change replaces glutamine with glutamic acid at codon 234 of the RNF168 protein (p.Gln234Glu). The glutamine residue is weakly conserved and there is a small physicochemical difference between glutamine and glutamic acid. In summary, the available evidence is currently insufficient to determine the role of this variant in disease. Therefore, it has been classified as a Variant of Uncertain Significance.

NM_152617.4(RNF168):c.700C>G (p.Gln234Glu)

Gene: RNF168 (ring finger protein 168; minus strand). Cytogenetic location: 3q29.
Variant type: single nucleotide variant.
Coding change: c.700C>G on transcript NM_152617.4 (MANE Select); coding-DNA position 700, C replaced by G.
Protein change: p.Gln234Glu; replaces glutamine 234 with glutamic acid.
Molecular consequence: missense variant.
Genome position (GRCh38, 1-based): chr3:196,475,293, G>C on the plus strand (C>G on the coding strand, the complement: RNF168 is on the minus strand). VCF-style: chr3-196475293-G-C. GRCh37 (hg19) VCF-style: chr3-196202164-G-C.
Other names: short protein forms Q234E.
Identifiers: ClinVar variation 1461694 (VCV001461694.6), dbSNP rs762109037, ClinGen allele CA2780832.
Genomic context (GRCh38, chr3:196,475,293, plus strand): 5'-TAGATACGGAGTCTTTCCTGACTTCTTGTACAGCTTCAGAGTGTGAGGCTGACCCAAACT[G>C]AGATTTCGGTGTCAAATACCTAAAAGAAAAGTTTACCAAAGTTTCAATGCTTTCAAAGAC-3'
Protein context (NP_689830.2, residues 224-244): DIQKYLTPKS[Gln234Glu]FGSASHSEAV